The following is an entry in ClinVar:

ClinVar aggregate classification (germline): Benign. Review status: criteria provided, multiple submitters, no conflicts (2 of 4 stars). 2 submissions from 2 submitters: Benign (2). Last evaluated 2018-01-12.

Conditions:
Desbuquois dysplasia 1 (DBQD1). Also called: MICROMELIC DWARFISM WITH VERTEBRAL AND METAPHYSEAL ABNORMALITIES AND ADVANCED CARPOTARSAL OSSIFICATION; DESBUQUOIS DYSPLASIA 1, KIM VARIANT. Identifiers: Orphanet 1425, MedGen C4012146, MONDO:0009629, OMIM 251450.

Allele frequency attached by ClinVar (database versions not stated): gnomAD exomes 0.02239; gnomAD 0.03159 and 0.03215; 1000 Genomes Project 30x 0.03232; 1000 Genomes Project 0.03355; TOPMed 0.03358.
gnomAD v4.1: 9,445 of 358,128 alleles (2.6%); highest among the groups gnomAD compares: African/African-American, 4.6%; 160 homozygotes.

Submissions (2):

Illumina Laboratory Services, Illumina
Classification: Benign for Desbuquois dysplasia 1. Last evaluated: 2018-01-12. Review status: criteria provided, single submitter. Criteria: ICSL Variant Classification Criteria 13 December 2019. Collection method: clinical testing. Allele origin: germline.
Comment: This variant was observed in the ICSL laboratory as part of a predisposition screen in an ostensibly healthy population. It had not been previously curated by ICSL or reported in the Human Gene Mutation Database (HGMD: prior to June 1st, 2018), and was therefore a candidate for classification through an automated scoring system. Utilizing variant allele frequency, disease prevalence and penetrance estimates, and inheritance mode, an automated score was calculated to assess if this variant is too frequent to cause the disease. Based on the score and internal cut-off values, a variant classified as benign is not then subjected to further curation. The score for this variant resulted in a classification of benign for this disease.

Breakthrough Genomics
Classification: Benign. Review status: criteria provided, single submitter. Criteria: ACMG Guidelines, 2015. Collection method: not provided. Allele origin: germline. Inheritance: Autosomal recessive inheritance. Affected: yes.

NM_001159773.2(CANT1):c.*664T>C

Gene: CANT1 (calcium activated nucleotidase 1; minus strand). Cytogenetic location: 17q25.3.
Variant type: single nucleotide variant.
Coding change: c.*664T>C on transcript NM_001159773.2 (MANE Select); 664 bases downstream of the stop codon, T replaced by C.
Molecular consequence: 3 prime UTR variant.
Genome position (GRCh38, 1-based): chr17:78,992,886, A>G on the plus strand (T>C on the coding strand, the complement: CANT1 is on the minus strand). VCF-style: chr17-78992886-A-G. GRCh37 (hg19) VCF-style: chr17-76988968-A-G.
Other names: c.*664T>C (NM_001159772.2, NM_138793.4).
Identifiers: ClinVar variation 325686 (VCV000325686.6), dbSNP rs79189369, ClinGen allele CA10640802.